The following is an entry in ClinVar:

ClinVar aggregate classification (germline): Uncertain significance (1 of 4 stars; one submission).

gnomAD v4.1: 1 of 1,614,200 alleles (0.000062%); highest among the groups gnomAD compares: Non-Finnish European, 0.000085%; no homozygotes.

Submission:

GeneDx
Classification: Uncertain significance. Last evaluated: 2022-08-18. Review status: criteria provided, single submitter. Criteria: GeneDx Variant Classification Process June 2021. Collection method: clinical testing. Allele origin: germline. Affected: yes.
Comment: Not observed at significant frequency in large population cohorts (gnomAD); In silico analysis supports that this missense variant does not alter protein structure/function; Has not been previously published as pathogenic or benign to our knowledge

NM_004281.4(BAG3):c.1264G>C (p.Val422Leu)

Gene: BAG3 (BAG cochaperone 3; plus strand). Cytogenetic location: 10q26.11.
Variant type: single nucleotide variant.
Coding change: c.1264G>C on transcript NM_004281.4 (MANE Select); coding-DNA position 1264, G replaced by C.
Protein change: p.Val422Leu; replaces valine 422 with leucine.
Molecular consequence: missense variant.
Genome position (GRCh38, 1-based): chr10:119,676,818, G>C. VCF-style: chr10-119676818-G-C. GRCh37 (hg19) VCF-style: chr10-121436330-G-C.
Other names: short protein forms V422L.
Identifiers: ClinVar variation 2430468 (VCV002430468.1), dbSNP rs371476147, ClinGen allele CA5716524.